The following is an entry in ClinVar:

NM_000211.5(ITGB2):c.500-29C>T

Gene: ITGB2 (integrin subunit beta 2; minus strand). Cytogenetic location: 21q22.3.
Variant type: single nucleotide variant.
Coding change: c.500-29C>T on transcript NM_000211.5 (MANE Select); 29 bases into the intron before coding-DNA position 500, C replaced by T.
Molecular consequence: intron variant.
Genome position (GRCh38, 1-based): chr21:44,901,762, G>A on the plus strand (C>T on the coding strand, the complement: ITGB2 is on the minus strand). VCF-style: chr21-44901762-G-A. GRCh37 (hg19) VCF-style: chr21-46321677-G-A.
Other names: c.500-29C>T (NM_001127491.3); c.293-29C>T (NM_001303238.2).
Identifiers: ClinVar variation 1291072 (VCV001291072.5), dbSNP rs5030669, ClinGen allele CA10063184.

ClinVar aggregate classification (germline): Benign. Review status: criteria provided, multiple submitters, no conflicts (2 of 4 stars). 3 submissions from 3 submitters: Benign (3). Last evaluated 2024-01-24.

Allele frequency attached by ClinVar (database versions not stated): 1000 Genomes Project 0.12420; 1000 Genomes Project 30x 0.12929; ESP Exome Variant Server 0.14316; TOPMed 0.15406; gnomAD 0.15459 and 0.15740; gnomAD exomes 0.16393 and 0.17191; ExAC 0.17085.
gnomAD v4.1: 259,778 of 1,592,068 alleles (16%); highest among the groups gnomAD compares: Admixed American, 25%; 22,315 homozygotes.

Submissions (3):

Unidad de Genómica Garrahan, Hospital de Pediatría Garrahan
Classification: Benign. Last evaluated: 2024-01-24. Review status: criteria provided, single submitter. Criteria: ACMG Guidelines, 2015. Collection method: clinical testing. Allele origin: germline. Affected: no. Observed: 36 variant alleles.
Comment: This variant is classified as Benign based on local population frequency. This variant was detected in 38% of patients studied by a panel of primary immunodeficiencies. Number of patients: 36. Only high quality variants are reported.

GeneDx
Classification: Benign. Last evaluated: 2015-03-03. Review status: criteria provided, single submitter. Criteria: GeneDx Variant Classification Process June 2021. Collection method: clinical testing. Allele origin: germline. Affected: yes.

Breakthrough Genomics
Classification: Benign. Review status: criteria provided, single submitter. Criteria: ACMG Guidelines, 2015. Collection method: not provided. Allele origin: germline. Inheritance: Autosomal recessive inheritance. Affected: yes.